The following is an entry in ClinVar:

ClinVar aggregate classification (germline): Uncertain significance. Review status: criteria provided, multiple submitters, no conflicts (2 of 4 stars). 2 submissions from 2 submitters: Uncertain significance (2). Last evaluated 2024-02-21.

Conditions:
Inborn genetic diseases. Identifiers: MedGen C0950123, MeSH D030342.

Allele frequency attached by ClinVar (database versions not stated): gnomAD exomes below 0.00001; gnomAD 0.00001; TOPMed 0.00002.
gnomAD v4.1: 5 of 1,613,410 alleles (0.00031%); highest among the groups gnomAD compares: Non-Finnish European, 0.00034%; no homozygotes.

Submissions (2):

Ambry Genetics
Classification: Uncertain significance for Inborn genetic diseases. Last evaluated: 2024-02-21. Review status: criteria provided, single submitter. Criteria: Ambry Variant Classification Scheme 2023. Collection method: clinical testing. Allele origin: germline.

Labcorp Genetics (formerly Invitae), Labcorp
Classification: Uncertain significance. Last evaluated: 2023-09-10. Review status: criteria provided, single submitter. Criteria: Invitae Variant Classification Sherloc (09022015). Collection method: clinical testing. Allele origin: germline.
Comment: This sequence change replaces glycine, which is neutral and non-polar, with alanine, which is neutral and non-polar, at codon 1438 of the LRP6 protein (p.Gly1438Ala). This variant is not present in population databases (gnomAD no frequency). This variant has not been reported in the literature in individuals affected with LRP6-related conditions. An algorithm developed to predict the effect of missense changes on protein structure and function (PolyPhen-2) suggests that this variant is likely to be disruptive. In summary, the available evidence is currently insufficient to determine the role of this variant in disease. Therefore, it has been classified as a Variant of Uncertain Significance.

NM_002336.3(LRP6):c.4313G>C (p.Gly1438Ala)

Gene: LRP6 (LDL receptor related protein 6; minus strand). Cytogenetic location: 12p13.2.
Variant type: single nucleotide variant.
Coding change: c.4313G>C on transcript NM_002336.3 (MANE Select); coding-DNA position 4313, G replaced by C.
Protein change: p.Gly1438Ala; replaces glycine 1438 with alanine.
Molecular consequence: missense variant. On other transcripts: non-coding transcript variant (1).
Genome position (GRCh38, 1-based): chr12:12,125,432, C>G on the plus strand (G>C on the coding strand, the complement: LRP6 is on the minus strand). VCF-style: chr12-12125432-C-G. GRCh37 (hg19) VCF-style: chr12-12278366-C-G.
Other names: c.4313G>C (NM_002336.2); c.3950G>C, p.Gly1317Ala (NM_001414251.1); c.3860G>C, p.Gly1287Ala (NM_001414252.1, NM_001414253.1, NM_001414254.1); c.3806G>C, p.Gly1269Ala (NM_001414255.1); c.4406G>C, p.Gly1469Ala (NM_001414244.1); c.4313G>C, p.Gly1438Ala (NM_001414245.1, NM_001414248.1, NM_001414249.1 and 1 more transcripts); c.4178G>C, p.Gly1393Ala (NM_001414246.1); c.4115G>C, p.Gly1372Ala (NM_001414247.1); short protein forms G1469A, G1269A, G1317A, G1287A, G1372A, G1393A, G1438A.
Identifiers: ClinVar variation 2983921 (VCV002983921.4), dbSNP rs1248342642, ClinGen allele CA383948622.
Genomic context (GRCh38, chr12:12,125,432, plus strand): 5'-GGTCCACTGCTTCCCCCCATGATACTGAGGGAGCTGATCATTGATTTACCTCGAGACATT[C>G]CTAAAATAAAAGGAGGTTAAAAACTGAAGATGAGTATGATATATAAAAATGTATCAAGCA-3'
Protein context (NP_002327.2, residues 1428-1448): HPSSLSGSLP[Gly1438Ala]MSRGKSMISS